The following is an entry in ClinVar:

NM_020408.6(LYRM4):c.221A>G (p.Gln74Arg)

Genes: LYRM4 (LYR motif containing 4; minus strand), LYRM4-AS1 (LYRM4 antisense RNA 1; plus strand). Cytogenetic location: 6p25.1.
Variant type: single nucleotide variant.
Coding change: c.221A>G on transcript NM_020408.6 (MANE Select); coding-DNA position 221, A replaced by G.
Protein change: p.Gln74Arg; replaces glutamine 74 with arginine.
Molecular consequence: missense variant. On other transcripts: 3 prime UTR variant (1), non-coding transcript variant (2), intron variant (1).
Genome position (GRCh38, 1-based): chr6:5,109,478, T>C on the plus strand (A>G on the coding strand, the complement: LYRM4 is on the minus strand). VCF-style: chr6-5109478-T-C. GRCh37 (hg19) VCF-style: chr6-5109712-T-C.
Other names: c.*55A>G (NM_001164841.3); c.208-40812A>G (NM_001318783.1); short protein forms Q74R.
Identifiers: ClinVar variation 3658904 (VCV003658904.2).
Genomic context (GRCh38, chr6:5,109,478, plus strand): 5'-GCTTGCTAGGTCCTGGGCATGTCTCGATTCTCAATGATCAGCTTGTCAGTTGAATACAGT[T>C]GGCCAATGTGGACCTGAAGGCAAAGAAAGGACACAGGTCAGGAACCGTGGCCCTCTAGCC-3'
Protein context (NP_065141.3, residues 64-84): GVIRRQVHIG[Gln74Arg]LYSTDKLIIE

ClinVar aggregate classification (germline): Uncertain significance (1 of 4 stars; one submission).

Submission:

Labcorp Genetics (formerly Invitae), Labcorp
Classification: Uncertain significance. Last evaluated: 2024-07-17. Review status: criteria provided, single submitter. Criteria: Invitae Variant Classification Sherloc (09022015). Collection method: clinical testing. Allele origin: germline.
Comment: This sequence change replaces glutamine, which is neutral and polar, with arginine, which is basic and polar, at codon 74 of the LYRM4 protein (p.Gln74Arg). This variant is not present in population databases (gnomAD no frequency). This variant has not been reported in the literature in individuals affected with LYRM4-related conditions. An algorithm developed to predict the effect of missense changes on protein structure and function (PolyPhen-2) suggests that this variant is likely to be tolerated. In summary, the available evidence is currently insufficient to determine the role of this variant in disease. Therefore, it has been classified as a Variant of Uncertain Significance.